The following is an entry in ClinVar:

ClinVar aggregate classification (germline): Uncertain significance. Review status: criteria provided, multiple submitters, no conflicts (2 of 4 stars). 5 submissions from 5 submitters: Uncertain significance (5). Last evaluated 2025-01-26.

Conditions:
Hereditary cancer-predisposing syndrome. Also called: Hereditary Cancer Syndrome; Hereditary neoplastic syndrome; Neoplastic Syndromes, Hereditary; Tumor predisposition. Identifiers: Orphanet 140162, MedGen C0027672, MeSH D009386, MONDO:0015356.
Hereditary breast ovarian cancer syndrome. Also called: BRCA1- and BRCA2-Associated Hereditary Breast and Ovarian Cancer; Hereditary breast and ovarian cancer syndrome; Hereditary breast and ovarian cancer syndrome (HBOC); Breast and ovarian cancer; Hereditary breast and ovarian cancer; Hereditary breast and/or ovarian cancer syndrome. Identifiers: Orphanet 145, MedGen C0677776, MeSH D061325, MONDO:0003582. Disease mechanism: loss of function.
Breast-ovarian cancer, familial, susceptibility to, 2 (BROVCA2). Also called: BRCA2 Hereditary Breast and Ovarian Cancer. Identifiers: Orphanet 145, MedGen C2675520, MONDO:0012933, OMIM 612555. Disease mechanism: loss of function.

Submissions (5):

Labcorp Genetics (formerly Invitae), Labcorp
Classification: Uncertain significance for Hereditary breast ovarian cancer syndrome. Last evaluated: 2025-01-26. Review status: criteria provided, single submitter. Criteria: Invitae Variant Classification Sherloc (09022015). Collection method: clinical testing. Allele origin: germline.
Comment: This variant, c.4006_4050dup, results in the insertion of 15 amino acid(s) of the BRCA2 protein (p.Phe1336_His1350dup), but otherwise preserves the integrity of the reading frame. This variant is not present in population databases (gnomAD no frequency). This variant has not been reported in the literature in individuals affected with BRCA2-related conditions. ClinVar contains an entry for this variant (Variation ID: 920251). In summary, the available evidence is currently insufficient to determine the role of this variant in disease. Therefore, it has been classified as a Variant of Uncertain Significance.

Women's Health and Genetics/Laboratory Corporation of America, LabCorp
Classification: Uncertain significance. Last evaluated: 2024-04-04. Review status: criteria provided, single submitter. Criteria: LabCorp Variant Classification Summary - May 2015. Collection method: clinical testing. Allele origin: germline.
Comment: Variant summary: BRCA2 c.4006_4050dup45 (p.Phe1336_His1350dup) results in an in-frame duplication that is predicted to duplicate 15 amino acids into the encoded protein. The variant was absent in 230396 control chromosomes. The available data on variant occurrences in the general population are insufficient to allow any conclusion about variant significance. To our knowledge, no occurrence of c.4006_4050dup45 in individuals affected with Hereditary Breast And Ovarian Cancer Syndrome and no experimental evidence demonstrating its impact on protein function have been reported. ClinVar contains an entry for this variant (Variation ID: 920251). Based on the evidence outlined above, the variant was classified as uncertain significance.

Ambry Genetics
Classification: Uncertain significance for Hereditary cancer-predisposing syndrome. Last evaluated: 2024-03-28. Review status: criteria provided, single submitter. Criteria: Ambry Variant Classification Scheme 2023. Collection method: clinical testing. Allele origin: germline.
Comment: The c.4006_4050dup45 variant (also known as p.F1336_H1350dup), located in coding exon 10 of the BRCA2 gene, results from an in-frame duplication of 45 nucleotides at nucleotide positions 4006 to 4050. This results in the duplication of 15 extra residues (FDGSDSSKNDTVCIH) between codons 1336 and 1350. This amino acid region is not well conserved in available vertebrate species. In addition, this alteration is predicted to be deleterious by in silico analysis (Choi Y et al. PLoS ONE. 2012; 7(10):e46688). Based on the available evidence, the clinical significance of this alteration remains unclear.

All of Us Research Program, National Institutes of Health
Classification: Uncertain significance for Breast-ovarian cancer, familial, susceptibility to, 2. Last evaluated: 2024-01-11. Review status: criteria provided, single submitter. Criteria: ACMG Guidelines, 2015. Collection method: clinical testing. Allele origin: germline. Inheritance: Autosomal dominant inheritance. Observed: 1 variant allele, 1 heterozygote.
Comment: This study involves interpretation of variants in research participants for the purpose of population health screening. Participant phenotype was not available at the time of variant classification. Additional details can be found in publication PMID: 35346344, PMCID: PMC8962531

Color Diagnostics, LLC DBA Color Health
Classification: Uncertain significance for Hereditary cancer-predisposing syndrome. Last evaluated: 2019-06-19. Review status: criteria provided, single submitter. Criteria: ACMG Guidelines, 2015. Collection method: clinical testing. Allele origin: germline.

NM_000059.4(BRCA2):c.4006_4050dup (p.Phe1336_His1350dup)

Gene: BRCA2 (BRCA2 DNA repair associated; plus strand). Cytogenetic location: 13q13.1.
Variant type: Duplication.
Coding change: c.4006_4050dup on transcript NM_000059.4 (MANE Select); coding-DNA positions 4006 to 4050, 45 bases duplicated.
Protein change: p.Phe1336_His1350dup.
Molecular consequence: inframe insertion.
Genome position (GRCh38, 1-based): chr13:32,338,361-32,338,405, 45 bases duplicated. GRCh37 (hg19): chr13:32,912,498-32,912,542.
Other names: c.4006_4050dupTTTGATGGCAGTGATTCAAGTAAAAATGATACTGTTTGTATTCAT (NM_000059.3); c.4006_4050dup45 (NM_000059.4).
Identifiers: ClinVar variation 920251 (VCV000920251.13), dbSNP rs2072493459, ClinGen allele CA913188559.